The following is an entry in ClinVar:

NM_003238.6(TGFB2):c.1129T>C (p.Ser377Pro)

Gene: TGFB2 (transforming growth factor beta 2; plus strand). Cytogenetic location: 1q41.
Variant type: single nucleotide variant.
Coding change: c.1129T>C on transcript NM_003238.6 (MANE Select); coding-DNA position 1129, T replaced by C.
Protein change: p.Ser377Pro; replaces serine 377 with proline.
Molecular consequence: missense variant. On other transcripts: non-coding transcript variant (2).
Genome position (GRCh38, 1-based): chr1:218,441,246, T>C. VCF-style: chr1-218441246-T-C. GRCh37 (hg19) VCF-style: chr1-218614588-T-C.
Other names: c.1213T>C, p.Ser405Pro (NM_001135599.4); short protein forms S377P, S405P.
Identifiers: ClinVar variation 2429194 (VCV002429194.3), dbSNP rs2464889965, ClinGen allele CA344727845.

ClinVar aggregate classification (germline): Uncertain significance (1 of 4 stars; one submission).

Allele frequency attached by ClinVar (database versions not stated): gnomAD exomes below 0.00001.
gnomAD v4.1: 1 of 1,613,824 alleles (0.000062%); highest among the groups gnomAD compares: Non-Finnish European, 0.000085%; no homozygotes.

Submission:

Women's Health and Genetics/Laboratory Corporation of America, LabCorp
Classification: Uncertain significance. Last evaluated: 2023-01-27. Review status: criteria provided, single submitter. Criteria: LabCorp Variant Classification Summary - May 2015. Collection method: clinical testing. Allele origin: germline.
Comment: Variant summary: TGFB2 c.1129T>C (p.Ser377Pro) results in a non-conservative amino acid change located in the Transforming growth factor-beta, C-terminal domain (IPR001839) of the encoded protein sequence. Five of five in-silico tools predict a damaging effect of the variant on protein function. The variant was absent in 250866 control chromosomes (gnomAD). The available data on variant occurrences in the general population are insufficient to allow any conclusion about variant significance. To our knowledge, no occurrence of c.1129T>C in individuals affected with Loeys-Dietz Syndrome and no experimental evidence demonstrating its impact on protein function have been reported. No clinical diagnostic laboratories have submitted clinical-significance assessments for this variant to ClinVar after 2014. Based on the evidence outlined above, the variant was classified as uncertain significance.